The following is an entry in ClinVar:

ClinVar aggregate classification (germline): Uncertain significance (1 of 4 stars; one submission).

Submission:

Ambry Genetics
Classification: Uncertain significance. Last evaluated: 2025-05-07. Review status: criteria provided, single submitter. Criteria: Ambry Variant Classification Scheme 2023. Collection method: clinical testing. Allele origin: germline.
Comment: The p.H290Y variant (also known as c.868C>T), located in coding exon 7 of the GEN1 gene, results from a C to T substitution at nucleotide position 868. The histidine at codon 290 is replaced by tyrosine, an amino acid with similar properties. This amino acid position is conserved. In addition, this alteration is predicted to be tolerated by in silico analysis. Based on the available evidence, the clinical significance of this variant remains unclear.

NM_001130009.3(GEN1):c.868C>T (p.His290Tyr)

Gene: GEN1 (GEN1 Holliday junction 5' flap endonuclease; plus strand). Cytogenetic location: 2p24.2.
Variant type: single nucleotide variant.
Coding change: c.868C>T on transcript NM_001130009.3 (MANE Select); coding-DNA position 868, C replaced by T.
Protein change: p.His290Tyr; replaces histidine 290 with tyrosine.
Molecular consequence: missense variant.
Genome position (GRCh38, 1-based): chr2:17,772,699, C>T. VCF-style: chr2-17772699-C-T. GRCh37 (hg19) VCF-style: chr2-17953966-C-T.
Other names: c.868C>T, p.His290Tyr (NM_182625.5); short protein forms H290Y.
Identifiers: ClinVar variation 4029277 (VCV004029277.1).